The following is an entry in ClinVar:

ClinVar aggregate classification (germline): Uncertain significance (1 of 4 stars; one submission).

Conditions:
Hereditary cancer-predisposing syndrome. Also called: Hereditary Cancer Syndrome; Hereditary neoplastic syndrome; Neoplastic Syndromes, Hereditary; Tumor predisposition. Identifiers: Orphanet 140162, MedGen C0027672, MeSH D009386, MONDO:0015356.

Submission:

Ambry Genetics
Classification: Uncertain significance for Hereditary cancer-predisposing syndrome. Last evaluated: 2023-08-25. Review status: criteria provided, single submitter. Criteria: Ambry Variant Classification Scheme 2023. Collection method: clinical testing. Allele origin: germline.
Comment: The p.M2520V variant (also known as c.7558A>G), located in coding exon 50 of the ATM gene, results from an A to G substitution at nucleotide position 7558. The methionine at codon 2520 is replaced by valine, an amino acid with highly similar properties. This amino acid position is highly conserved in available vertebrate species. In addition, this alteration is predicted to be deleterious by in silico analysis. Since supporting evidence is limited at this time, the clinical significance of this alteration remains unclear.

NM_000051.4(ATM):c.7558A>G (p.Met2520Val)

Genes: ATM (ATM serine/threonine kinase; plus strand), C11orf65 (chromosome 11 open reading frame 65; minus strand). Cytogenetic location: 11q22.3.
Variant type: single nucleotide variant.
Coding change: c.7558A>G on transcript NM_000051.4 (MANE Select); coding-DNA position 7558, A replaced by G.
Protein change: p.Met2520Val; replaces methionine 2520 with valine.
Molecular consequence: missense variant. On other transcripts: non-coding transcript variant (1), intron variant (2).
Genome position (GRCh38, 1-based): chr11:108,331,486, A>G. VCF-style: chr11-108331486-A-G. GRCh37 (hg19) VCF-style: chr11-108202213-A-G.
Other names: c.7558A>G, p.Met2520Val (NM_001351834.2); c.641-22415T>C (NM_001330368.2); c.*38+3734T>C (NM_001351110.2); short protein forms M2520V.
Identifiers: ClinVar variation 2587803 (VCV002587803.2), dbSNP rs1591167508, ClinGen allele CA382560722.